The following is an entry in ClinVar:

NM_000123.4(ERCC5):c.3157G>T (p.Gly1053Ter)

Genes: BIVM-ERCC5 (BIVM-ERCC5 readthrough; plus strand), ERCC5 (ERCC excision repair 5, endonuclease; plus strand). Cytogenetic location: 13q33.1.
Variant type: single nucleotide variant.
Coding change: c.3157G>T on transcript NM_000123.4 (MANE Select); coding-DNA position 3157, G replaced by T.
Protein change: p.Gly1053Ter; replaces glycine 1053 with a stop codon.
Molecular consequence: nonsense.
Genome position (GRCh38, 1-based): chr13:102,875,499, G>T. VCF-style: chr13-102875499-G-T. GRCh37 (hg19) VCF-style: chr13-103527849-G-T.
Other names: c.4519G>T, p.Gly1507Ter (NM_001204425.2); short protein forms G1053*, G1507*, R1053*.
Identifiers: ClinVar variation 2643924 (VCV002643924.24), dbSNP rs9514066, ClinGen allele CA7041840.

ClinVar aggregate classification (germline): Likely pathogenic (1 of 4 stars; one submission).

Submission:

CeGaT Center for Human Genetics Tuebingen
Classification: Likely pathogenic. Last evaluated: 2023-03-01. Review status: criteria provided, single submitter. Criteria: CeGaT Center For Human Genetics Tuebingen Variant Classification Criteria Version 2. Collection method: clinical testing. Allele origin: germline. Affected: yes. Observed: 1 variant allele.
Comment: ERCC5: PVS1:Strong, PM2